The following is an entry in ClinVar:

ClinVar aggregate classification (germline): Uncertain significance. Review status: criteria provided, single submitter (1 of 4 stars). 2 submissions from 2 submitters: Uncertain significance (1). 1 of the submissions does not count toward it. Last evaluated 2025-08-13.

Conditions:
TENM4-related disorder. Also called: TENM4-related condition.

Allele frequency attached by ClinVar (database versions not stated): ExAC 0.00057; gnomAD 0.00107; TOPMed 0.00124; ESP Exome Variant Server 0.00153; 1000 Genomes Project 0.00220; 1000 Genomes Project 30x 0.00250.
gnomAD v4.1: 301 of 1,551,696 alleles (0.019%); highest among the groups gnomAD compares: African/African-American, 0.38%; 1 homozygote.

Submissions (2):

Ambry Genetics
Classification: Uncertain significance. Last evaluated: 2025-08-13. Review status: criteria provided, single submitter. Criteria: Ambry Variant Classification Scheme 2023. Collection method: clinical testing. Allele origin: germline.

PreventionGenetics, part of Exact Sciences
Classification: Likely benign for TENM4-related condition. Last evaluated: 2021-01-11. Review status: no assertion criteria provided. Collection method: clinical testing. Allele origin: germline. Not counted in ClinVar's aggregate classification.
Comment: This variant is classified as likely benign based on ACMG/AMP sequence variant interpretation guidelines (Richards et al. 2015 PMID: 25741868, with internal and published modifications).

NM_001098816.3(TENM4):c.1312G>T (p.Val438Leu)

Gene: TENM4 (teneurin transmembrane protein 4; minus strand). Cytogenetic location: 11q14.1.
Variant type: single nucleotide variant.
Coding change: c.1312G>T on transcript NM_001098816.3 (MANE Select); coding-DNA position 1312, G replaced by T.
Protein change: p.Val438Leu; replaces valine 438 with leucine.
Molecular consequence: missense variant.
Genome position (GRCh38, 1-based): chr11:78,856,122, C>A on the plus strand (G>T on the coding strand, the complement: TENM4 is on the minus strand). VCF-style: chr11-78856122-C-A. GRCh37 (hg19) VCF-style: chr11-78567167-C-A.
Other names: short protein forms V438L.
Identifiers: ClinVar variation 3046036 (VCV003046036.3), dbSNP rs187996084, ClinGen allele CA6207557.